The following is an entry in ClinVar:

ClinVar aggregate classification (germline): Uncertain significance (1 of 4 stars; one submission).

Conditions:
Alstrom syndrome (ALMS). Identifiers: Orphanet 64, MedGen C0268425, MONDO:0008763, OMIM 203800.

Submission:

Labcorp Genetics (formerly Invitae), Labcorp
Classification: Uncertain significance for Alstrom syndrome. Last evaluated: 2022-10-04. Review status: criteria provided, single submitter. Criteria: Invitae Variant Classification Sherloc (09022015). Collection method: clinical testing. Allele origin: germline.
Comment: This variant, c.71_72insAGA, results in the insertion of 1 amino acid(s) of the ALMS1 protein (p.Glu29dup), but otherwise preserves the integrity of the reading frame. This variant is not present in population databases (gnomAD no frequency). This variant has not been reported in the literature in individuals affected with ALMS1-related conditions. Experimental studies and prediction algorithms are not available or were not evaluated, and the functional significance of this variant is currently unknown. In summary, the available evidence is currently insufficient to determine the role of this variant in disease. Therefore, it has been classified as a Variant of Uncertain Significance.

NM_001378454.1(ALMS1):c.68_69insAGA (p.Glu28_Ala29insGlu)

Gene: ALMS1 (ALMS1 centrosome and basal body associated protein; plus strand). Cytogenetic location: 2p13.1.
Variant type: Insertion.
Coding change: c.68_69insAGA on transcript NM_001378454.1 (MANE Select); coding-DNA positions 68 to 69, AGA inserted.
Protein change: p.Glu28_Ala29insGlu.
Molecular consequence: inframe insertion.
Genome position: GRCh38 VCF-style: chr2-73385934-G-GGAA. GRCh37 (hg19) VCF-style: chr2-73613062-G-GGAA.
Other names: c.71_72insAGA, p.Glu29_Ala30insGlu (NM_015120.4).
Identifiers: ClinVar variation 1986088 (VCV001986088.4), dbSNP rs1670510693, ClinGen allele CA916082187.